The following is an entry in ClinVar:

NM_000059.4(BRCA2):c.2097del (p.Gln699fs)

Gene: BRCA2 (BRCA2 DNA repair associated; plus strand). Cytogenetic location: 13q13.1.
Variant type: Deletion.
Coding change: c.2097del on transcript NM_000059.4 (MANE Select); coding-DNA position 2097, one base deleted (G; older notation c.2097delG).
Protein change: p.Gln699fs; shifts the reading frame from glutamine 699.
Molecular consequence: frameshift variant.
Genome position (GRCh38, 1-based): chr13:32,336,452, G deleted. VCF-style (leftmost placement, unchanged base first): chr13-32336451-AG-A. GRCh37 (hg19) VCF-style: chr13-32910588-AG-A.
Other names: c.2097delG, p.Gln699Hisfs (NM_001406719.1, NM_001406720.1); short protein forms Q699fs.
Identifiers: ClinVar variation 1785812 (VCV001785812.2), dbSNP rs2548523173, ClinGen allele CA2580087201.

ClinVar aggregate classification (germline): Pathogenic (1 of 4 stars; one submission).

Conditions:
Hereditary cancer-predisposing syndrome. Also called: Neoplastic Syndromes, Hereditary; Tumor predisposition; Hereditary Cancer Syndrome; Hereditary neoplastic syndrome. Identifiers: Orphanet 140162, MedGen C0027672, MeSH D009386, MONDO:0015356.

Submission:

Ambry Genetics
Classification: Pathogenic for Hereditary cancer-predisposing syndrome. Last evaluated: 2021-06-22. Review status: criteria provided, single submitter. Criteria: Ambry Variant Classification Scheme 2023. Collection method: clinical testing. Allele origin: germline.
Comment: The c.2097delG pathogenic mutation, located in coding exon 10 of the BRCA2 gene, results from a deletion of one nucleotide at nucleotide position 2097, causing a translational frameshift with a predicted alternate stop codon (p.Q699Hfs*31). A different alteration that results in protein truncation at the same position, c.2094del (p.Q699Sfs*31), was identified in a large, worldwide study of BRCA1/2 mutation positive families; in 1/398 individuals with epithelial ovarian cancer; and in 1/692 men with metastatic prostate cancer (Rebbeck TR et al. Hum Mutat, 2018 05;39:593-620; Cardoso FC et al. Hum Genomics, 2018 08;12:39; Pritchard CC et al. N Engl J Med, 2016 Aug;375:443-53). The c.2097delG variant is considered to be rare based on population cohorts in the Genome Aggregation Database (gnomAD). In addition to the information presented in the literature, this alteration is expected to result in loss of function by premature protein truncation or nonsense-mediated mRNA decay. As such, this alteration is interpreted as a disease-causing mutation

Literature cited by the submitters: PubMed 27433846; PubMed 29446198; PubMed 30103829.